The following is an entry in ClinVar:

NM_172250.3(MMAA):c.879A>G (p.Gly293=)

Gene: MMAA (metabolism of cobalamin associated A; plus strand). Cytogenetic location: 4q31.21.
Variant type: single nucleotide variant.
Coding change: c.879A>G on transcript NM_172250.3 (MANE Select); coding-DNA position 879, A replaced by G.
Protein change: p.Gly293=; no amino-acid change (glycine 293 retained).
Molecular consequence: synonymous variant.
Genome position (GRCh38, 1-based): chr4:145,654,053, A>G. VCF-style: chr4-145654053-A-G. GRCh37 (hg19) VCF-style: chr4-146575205-A-G.
Other names: c.879A>G, p.Gly293= (NM_001375644.1).
Identifiers: ClinVar variation 772625 (VCV000772625.35), dbSNP rs146352309, ClinGen allele CA3095300.

ClinVar aggregate classification (germline): Likely benign. Review status: criteria provided, multiple submitters, no conflicts (2 of 4 stars). 3 submissions from 3 submitters: Likely benign (2). 1 of the submissions does not count toward it. Last evaluated 2026-01-28.

Conditions:
Methylmalonic aciduria, cblA type (MACA). Also called: Methylmalonic aciduria, vitamin B12-responsive; Vitamin B12-responsive methylmalonic acidemia type cblA; Methylmalonic aciduria, vitamin b12-responsive, due to defect in synthesis of adenosylcobalamin, cbla complementation type; MMA cbl A type; Methylmalonic acidemia cblA type. Identifiers: Orphanet 28, Orphanet 79310, MedGen C1855109, MONDO:0009613, OMIM 251100.

Allele frequency attached by ClinVar (database versions not stated): gnomAD exomes 0.00012 and 0.00021; ExAC 0.00023; ESP Exome Variant Server 0.00054; gnomAD 0.00066 and 0.00072; 1000 Genomes Project 30x 0.00094; TOPMed 0.00096; 1000 Genomes Project 0.00100.
gnomAD v4.1: 309 of 1,614,122 alleles (0.019%); highest among the groups gnomAD compares: African/African-American, 0.16%; no homozygotes.

Submissions (3):

Labcorp Genetics (formerly Invitae), Labcorp
Classification: Likely benign for Methylmalonic aciduria, cblA type. Last evaluated: 2026-01-28. Review status: criteria provided, single submitter. Criteria: Invitae Variant Classification Sherloc (09022015). Collection method: clinical testing. Allele origin: germline.

CeGaT Center for Human Genetics Tuebingen
Classification: Likely benign. Last evaluated: 2023-09-01. Review status: criteria provided, single submitter. Criteria: CeGaT Center For Human Genetics Tuebingen Variant Classification Criteria Version 2. Collection method: clinical testing. Allele origin: germline. Affected: yes. Observed: 1 variant allele.
Comment: MMAA: BP4, BP7

Natera, Inc.
Classification: Likely benign for Methylmalonic aciduria cblA type. Last evaluated: 2020-04-16. Review status: no assertion criteria provided. Collection method: clinical testing. Allele origin: germline. Not counted in ClinVar's aggregate classification.